The following is an entry in ClinVar:

ClinVar aggregate classification (germline): Uncertain significance (1 of 4 stars; one submission).

gnomAD v4.1: 1 of 1,613,608 alleles (0.000062%); highest among the groups gnomAD compares: Non-Finnish European, 0.000085%; no homozygotes.

Submission:

GeneDx
Classification: Uncertain significance. Last evaluated: 2025-03-11. Review status: criteria provided, single submitter. Criteria: GeneDx Variant Classification Process June 2021. Collection method: clinical testing. Allele origin: germline. Affected: yes.
Comment: Not observed at significant frequency in large population cohorts (gnomAD); In silico analysis supports that this missense variant has a deleterious effect on protein structure/function; Has not been previously published as pathogenic or benign to our knowledge

NM_021096.4(CACNA1I):c.1913A>G (p.Asp638Gly)

Gene: CACNA1I (calcium voltage-gated channel subunit alpha1 I; plus strand). Cytogenetic location: 22q13.1.
Variant type: single nucleotide variant.
Coding change: c.1913A>G on transcript NM_021096.4 (MANE Select); coding-DNA position 1913, A replaced by G.
Protein change: p.Asp638Gly; replaces aspartic acid 638 with glycine.
Molecular consequence: missense variant.
Genome position (GRCh38, 1-based): chr22:39,649,846, A>G. VCF-style: chr22-39649846-A-G. GRCh37 (hg19) VCF-style: chr22-40045851-A-G.
Other names: c.1808A>G, p.Asp603Gly (NM_001003406.2); short protein forms D603G, D638G.
Identifiers: ClinVar variation 4083099 (VCV004083099.1).
Genomic context (GRCh38, chr22:39,649,846, plus strand): 5'-CGGTCTGGCTGTGCGGGGATGTGTGGCGGGAGACGCGAGCCAAGCTGCGCGGCATCGTGG[A>G]CAGCAAGTACTTCAACCGGGGCATCATGATGGCCATCCTGGTCAACACCGTCAGCATGGG-3'
Protein context (NP_066919.2, residues 628-648): ETRAKLRGIV[Asp638Gly]SKYFNRGIMM